The following is an entry in ClinVar:

NM_001853.4(COL9A3):c.505G>T (p.Ala169Ser)

Gene: COL9A3 (collagen type IX alpha 3 chain; plus strand). Cytogenetic location: 20q13.33.
Variant type: single nucleotide variant.
Coding change: c.505G>T on transcript NM_001853.4 (MANE Select); coding-DNA position 505, G replaced by T.
Protein change: p.Ala169Ser; replaces alanine 169 with serine.
Molecular consequence: missense variant.
Genome position (GRCh38, 1-based): chr20:62,822,618, G>T. VCF-style: chr20-62822618-G-T. GRCh37 (hg19) VCF-style: chr20-61453970-G-T.
Other names: short protein forms A169S.
Identifiers: ClinVar variation 4690502 (VCV004690502.1).

ClinVar aggregate classification (germline): Uncertain significance (1 of 4 stars; one submission).

gnomAD v4.1: 4 of 1,612,344 alleles (0.00025%); highest among the groups gnomAD compares: African/African-American, 0.0013%; no homozygotes.

Submission:

Labcorp Genetics (formerly Invitae), Labcorp
Classification: Uncertain significance. Last evaluated: 2025-04-01. Review status: criteria provided, single submitter. Criteria: Invitae Variant Classification Sherloc (09022015). Collection method: clinical testing. Allele origin: germline.
Comment: This sequence change replaces alanine, which is neutral and non-polar, with serine, which is neutral and polar, at codon 169 of the COL9A3 protein (p.Ala169Ser). This variant is present in population databases (no rsID available, gnomAD 0.01%). This variant has not been reported in the literature in individuals affected with COL9A3-related conditions. Invitae Evidence Modeling of protein sequence and biophysical properties (such as structural, functional, and spatial information, amino acid conservation, physicochemical variation, residue mobility, and thermodynamic stability) indicates that this missense variant is not expected to disrupt COL9A3 protein function with a negative predictive value of 95%. In summary, the available evidence is currently insufficient to determine the role of this variant in disease. Therefore, it has been classified as a Variant of Uncertain Significance.